The following is an entry in ClinVar:

ClinVar aggregate classification (germline): Uncertain significance (1 of 4 stars; one submission).

gnomAD v4.1: 14 of 1,545,582 alleles (0.00091%); highest among the groups gnomAD compares: Middle Eastern, 0.017%; 1 homozygote.

Submission:

Labcorp Genetics (formerly Invitae), Labcorp
Classification: Uncertain significance. Last evaluated: 2025-01-01. Review status: criteria provided, single submitter. Criteria: Invitae Variant Classification Sherloc (09022015). Collection method: clinical testing. Allele origin: germline.
Comment: This sequence change falls in intron 5 of the LRRC56 gene. It does not directly change the encoded amino acid sequence of the LRRC56 protein. It affects a nucleotide within the consensus splice site. The frequency data for this variant in the population databases is considered unreliable, as metrics indicate poor data quality at this position in the gnomAD database. This variant has not been reported in the literature in individuals affected with LRRC56-related conditions. Variants that disrupt the consensus splice site are a relatively common cause of aberrant splicing (PMID: 17576681, 9536098). Algorithms developed to predict the effect of sequence changes on RNA splicing suggest that this variant is not likely to affect RNA splicing. In summary, the available evidence is currently insufficient to determine the role of this variant in disease. Therefore, it has been classified as a Variant of Uncertain Significance.

Literature cited by the submitters: PubMed 17576681; PubMed 9536098.

NM_198075.4(LRRC56):c.265+6C>T

Gene: LRRC56 (leucine rich repeat containing 56; plus strand). Cytogenetic location: 11p15.5.
Variant type: single nucleotide variant.
Coding change: c.265+6C>T on transcript NM_198075.4 (MANE Select); 6 bases into the intron after coding-DNA position 265, C replaced by T.
Molecular consequence: intron variant.
Genome position (GRCh38, 1-based): chr11:541,630, C>T. VCF-style: chr11-541630-C-T. GRCh37 (hg19) VCF-style: chr11-541630-C-T.
Identifiers: ClinVar variation 3621256 (VCV003621256.1).
Genomic context (GRCh38, chr11:541,630, plus strand): 5'-GTGAGGACGCTGGAGATGTGTGTGGACACTCGTGAGGGCAGCCTGGGGAACTTTGGTGAG[C>T]CTCTTCCCACCCCGCCATGGCCACGGCCACGGCCACGCCTCCCTGTAAACAACACACGTT-3'